The following is an entry in ClinVar:

ClinVar aggregate classification (germline): Uncertain significance (1 of 4 stars; one submission).

Conditions:
Autosomal recessive spinocerebellar ataxia 12. Also called: SPINOCEREBELLAR ATAXIA WITH MENTAL RETARDATION AND EPILEPSY. Identifiers: Orphanet 284282, MedGen C3280452, MONDO:0013687, OMIM 614322.
Developmental and epileptic encephalopathy, 1 (DEE1). Also called: X-linked infantile spasms; West's syndrome; Tonic spasms with clustering, arrest of psychomotor development and hypsarrhythmia on EEG; X-Linked Infantile Spasm Syndrome; INFANTILE SPASM SYNDROME, X-LINKED 1; OHTAHARA SYNDROME, X-LINKED. Identifiers: MedGen C3463992, MONDO:0010632, OMIM 308350. Disease mechanism: loss of function.

Allele frequency attached by ClinVar (database versions not stated): gnomAD 0.00001.
gnomAD v4.1: 4 of 1,614,122 alleles (0.00025%); highest among the groups gnomAD compares: African/African-American, 0.004%; no homozygotes.

Submission:

Labcorp Genetics (formerly Invitae), Labcorp
Classification: Uncertain significance for Developmental and epileptic encephalopathy, 1; Autosomal recessive spinocerebellar ataxia 12. Last evaluated: 2022-08-15. Review status: criteria provided, single submitter. Criteria: Invitae Variant Classification Sherloc (09022015). Collection method: clinical testing. Allele origin: germline.
Comment: This sequence change replaces methionine, which is neutral and non-polar, with isoleucine, which is neutral and non-polar, at codon 374 of the WWOX protein (p.Met374Ile). This variant is present in population databases (rs775460117, gnomAD 0.007%). This variant has not been reported in the literature in individuals affected with WWOX-related conditions. ClinVar contains an entry for this variant (Variation ID: 1423818). Algorithms developed to predict the effect of missense changes on protein structure and function are either unavailable or do not agree on the potential impact of this missense change (SIFT: "Not Available"; PolyPhen-2: "Benign"; Align-GVGD: "Not Available"). In summary, the available evidence is currently insufficient to determine the role of this variant in disease. Therefore, it has been classified as a Variant of Uncertain Significance.

NM_016373.4(WWOX):c.1122G>A (p.Met374Ile)

Genes: MAF (MAF bZIP transcription factor; minus strand), WWOX (WW domain containing oxidoreductase; plus strand). Cytogenetic location: 16q23.2.
Variant type: single nucleotide variant.
Coding change: c.1122G>A on transcript NM_016373.4 (MANE Select); coding-DNA position 1122, G replaced by A.
Protein change: p.Met374Ile; replaces methionine 374 with isoleucine.
Molecular consequence: missense variant.
Genome position (GRCh38, 1-based): chr16:79,211,673, G>A. VCF-style: chr16-79211673-G-A. GRCh37 (hg19) VCF-style: chr16-79245570-G-A.
Other names: c.783G>A, p.Met261Ile (NM_001291997.2); short protein forms M374I, M261I.
Identifiers: ClinVar variation 1423818 (VCV001423818.8), dbSNP rs775460117, ClinGen allele CA8183746.